The following is an entry in ClinVar:

NM_182925.5(FLT4):c.1710G>C (p.Glu570Asp)

Gene: FLT4 (fms related receptor tyrosine kinase 4; minus strand). Cytogenetic location: 5q35.3.
Variant type: single nucleotide variant.
Coding change: c.1710G>C on transcript NM_182925.5 (MANE Select); coding-DNA position 1710, G replaced by C.
Protein change: p.Glu570Asp; replaces glutamic acid 570 with aspartic acid.
Molecular consequence: missense variant.
Genome position (GRCh38, 1-based): chr5:180,621,852, C>G on the plus strand (G>C on the coding strand, the complement: FLT4 is on the minus strand). VCF-style: chr5-180621852-C-G. GRCh37 (hg19) VCF-style: chr5-180048852-C-G.
Other names: c.1710G>C, p.Glu570Asp (NM_001354989.2, NM_002020.5); short protein forms E570D.
Identifiers: ClinVar variation 3046561 (VCV003046561.3), dbSNP rs758989887, ClinGen allele CA362503738.

ClinVar aggregate classification (germline): Uncertain significance. Review status: criteria provided, single submitter (1 of 4 stars). 2 submissions from 2 submitters: Uncertain significance (1). 1 of the submissions does not count toward it. Last evaluated 2025-04-03.

Conditions:
FLT4-related disorder. Also called: FLT4-related condition.

gnomAD v4.1: 1 of 1,613,432 alleles (0.000062%); highest among the groups gnomAD compares: Non-Finnish European, 0.000085%; no homozygotes.

Submissions (2):

GeneDx
Classification: Uncertain significance. Last evaluated: 2025-04-03. Review status: criteria provided, single submitter. Criteria: GeneDx Variant Classification Process June 2021. Collection method: clinical testing. Allele origin: germline. Affected: yes.
Comment: Not observed at significant frequency in large population cohorts (gnomAD); In silico analysis indicates that this missense variant does not alter protein structure/function; Has not been previously published as pathogenic or benign to our knowledge

PreventionGenetics, part of Exact Sciences
Classification: Uncertain significance for FLT4-related condition. Last evaluated: 2024-02-27. Review status: no assertion criteria provided. Collection method: clinical testing. Allele origin: germline. Not counted in ClinVar's aggregate classification.
Comment: The FLT4 c.1710G>C variant is predicted to result in the amino acid substitution p.Glu570Asp. To our knowledge, this variant has not been reported in the literature or in a large population database, indicating this variant is rare. At this time, the clinical significance of this variant is uncertain due to the absence of conclusive functional and genetic evidence.